The following is an entry in ClinVar:

ClinVar aggregate classification (germline): Pathogenic (1 of 4 stars; one submission).

Conditions:
Familial intrahepatic cholestasis. Identifiers: Orphanet 284385, MedGen CN296401, MONDO:0017290.

Submission:

Genomenon, Inc
Classification: Pathogenic for Familial intrahepatic cholestasis. Last evaluated: 2026-04-14. Review status: criteria provided, single submitter. Criteria: Genomenon Sequence Variant Interpretation Standards - Updated. Collection method: curation. Allele origin: germline. Affected: yes.
Comment: ATP8B1 p.Lys845ArgfsTer36 (c.2532del) is a frameshift variant that results in the production of a truncated protein which is predicted to undergo nonsense-mediated mRNA decay. This variant has been observed in at least one proband with features of ATP8B1-deficiency (PMID:27050426). The variant was found to segregate with disease in at least one affected family (PMID:27050426). It is absent or not present at a significant frequency in gnomAD. In conclusion, we classify ATP8B1 p.Lys845ArgfsTer36 (c.2532del) as a pathogenic variant.

Literature cited by the submitters: PubMed 27050426.

NM_001374385.1(ATP8B1):c.2532del (p.Lys845fs)

Genes: ATP8B1-AS1 (ATP8B1 antisense RNA 1; plus strand), ATP8B1 (ATPase phospholipid transporting 8B1; minus strand). Cytogenetic location: 18q21.31.
Variant type: Deletion.
Coding change: c.2532del on transcript NM_001374385.1 (MANE Select); coding-DNA position 2532, one base deleted (T; older notation c.2532delT).
Protein change: p.Lys845fs; shifts the reading frame from lysine 845.
Molecular consequence: frameshift variant.
Genome position (GRCh38, 1-based): chr18:57,661,349, A deleted on the plus strand (T on the coding strand, the reverse complement: ATP8B1 is on the minus strand). VCF-style (leftmost placement, unchanged base first): chr18-57661348-TA-T. GRCh37 (hg19) VCF-style: chr18-55328580-TA-T.
Other names: c.2382del, p.Lys795fs (NM_001374386.1); c.2532del, p.Lys845fs (NM_005603.6); short protein forms K795fs, K845fs.
Identifiers: ClinVar variation 4846244 (VCV004846244.1).